The following is an entry in ClinVar:

NM_002439.5(MSH3):c.529G>T (p.Ala177Ser)

Gene: MSH3 (mutS homolog 3; plus strand). Cytogenetic location: 5q14.1.
Variant type: single nucleotide variant.
Coding change: c.529G>T on transcript NM_002439.5 (MANE Select); coding-DNA position 529, G replaced by T.
Protein change: p.Ala177Ser; replaces alanine 177 with serine.
Molecular consequence: missense variant.
Genome position (GRCh38, 1-based): chr5:80,665,313, G>T. VCF-style: chr5-80665313-G-T. GRCh37 (hg19) VCF-style: chr5-79961132-G-T.
Other names: short protein forms A177S.
Identifiers: ClinVar variation 2866887 (VCV002866887.3), dbSNP rs372073889, ClinGen allele CA360264254.
Genomic context (GRCh38, chr5:80,665,313, plus strand): 5'-CAGGAGAGATTTGCAGTTCTGCCAAAATGTACTGATTTTGATGATATCAGTCTTCTACAC[G>T]CAAAGAATGCAGTTTCTTCTGAAGATTCGAAACGTCAAATTAATCAAAAGGTATGTAACT-3'
Protein context (NP_002430.3, residues 167-187): TDFDDISLLH[Ala177Ser]KNAVSSEDSK

ClinVar aggregate classification (germline): Uncertain significance (1 of 4 stars; one submission).

Submission:

Labcorp Genetics (formerly Invitae), Labcorp
Classification: Uncertain significance. Last evaluated: 2023-06-27. Review status: criteria provided, single submitter. Criteria: Invitae Variant Classification Sherloc (09022015). Collection method: clinical testing. Allele origin: germline.
Comment: This variant is not present in population databases (gnomAD no frequency). In summary, the available evidence is currently insufficient to determine the role of this variant in disease. Therefore, it has been classified as a Variant of Uncertain Significance. An algorithm developed to predict the effect of missense changes on protein structure and function (PolyPhen-2) suggests that this variant is likely to be disruptive. This variant has not been reported in the literature in individuals affected with MSH3-related conditions. This sequence change replaces alanine, which is neutral and non-polar, with serine, which is neutral and polar, at codon 177 of the MSH3 protein (p.Ala177Ser).